The following is an entry in ClinVar:

NM_001164508.2(NEB):c.10463G>A (p.Arg3488His)

Gene: NEB (nebulin; minus strand). Cytogenetic location: 2q23.3.
Variant type: single nucleotide variant.
Coding change: c.10463G>A on transcript NM_001164508.2 (MANE Select); coding-DNA position 10463, G replaced by A.
Protein change: p.Arg3488His; replaces arginine 3488 with histidine.
Molecular consequence: missense variant.
Genome position (GRCh38, 1-based): chr2:151,621,016, C>T on the plus strand (G>A on the coding strand, the complement: NEB is on the minus strand). VCF-style: chr2-151621016-C-T. GRCh37 (hg19) VCF-style: chr2-152477530-C-T.
Other names: c.10463G>A, p.Arg3488His (NM_001164507.2, NM_001271208.2); c.9734G>A, p.Arg3245His (NM_004543.5); short protein forms R3488H, R3245H.
Identifiers: ClinVar variation 198375 (VCV000198375.22), dbSNP rs371605774, ClinGen allele CA203382.

ClinVar aggregate classification (germline): Benign. Review status: criteria provided, multiple submitters, no conflicts (2 of 4 stars). 6 submissions from 6 submitters: Benign (5). 1 of the submissions does not count toward it. Last evaluated 2026-02-04.

Conditions:
Nemaline myopathy 2 (NEM2). Also called: Nemaline myopathy 2, autosomal recessive. Identifiers: MedGen C1850569, MONDO:0009725, OMIM 256030.

Allele frequency attached by ClinVar (database versions not stated): gnomAD 0.00005 and 0.00088; TOPMed 0.00020; gnomAD exomes 0.00145 and 0.00289; ExAC 0.00477; 1000 Genomes Project 30x 0.00593; 1000 Genomes Project 0.00719.
gnomAD v4.1: 2,251 of 1,607,810 alleles (0.14%); highest among the groups gnomAD compares: South Asian, 2.3%; 44 homozygotes.

Submissions (6):

Labcorp Genetics (formerly Invitae), Labcorp
Classification: Benign for Nemaline myopathy 2. Last evaluated: 2026-02-04. Review status: criteria provided, single submitter. Criteria: Invitae Variant Classification Sherloc (09022015). Collection method: clinical testing. Allele origin: germline.

Illumina Laboratory Services, Illumina
Classification: Benign for Nemaline myopathy 2. Last evaluated: 2018-01-12. Review status: criteria provided, single submitter. Criteria: ICSL Variant Classification Criteria 13 December 2019. Collection method: clinical testing. Allele origin: germline.
Comment: This variant was observed in the ICSL laboratory as part of a predisposition screen in an ostensibly healthy population. It had not been previously curated by ICSL or reported in the Human Gene Mutation Database (HGMD: prior to June 1st, 2018), and was therefore a candidate for classification through an automated scoring system. Utilizing variant allele frequency, disease prevalence and penetrance estimates, and inheritance mode, an automated score was calculated to assess if this variant is too frequent to cause the disease. Based on the score and internal cut-off values, a variant classified as benign is not then subjected to further curation. The score for this variant resulted in a classification of benign for this disease.

GeneDx
Classification: Benign. Last evaluated: 2017-07-31. Review status: criteria provided, single submitter. Criteria: GeneDx Variant Classification (06012015). Collection method: clinical testing. Allele origin: germline. Affected: yes.
Comment: This variant is considered likely benign or benign based on one or more of the following criteria: it is a conservative change, it occurs at a poorly conserved position in the protein, it is predicted to be benign by multiple in silico algorithms, and/or has population frequency not consistent with disease.

Eurofins Ntd Llc (ga)
Classification: Benign. Last evaluated: 2015-04-15. Review status: criteria provided, single submitter. Criteria: EGL Classification Definitions 2015. Collection method: clinical testing. Allele origin: germline. Observed: 4 variant alleles, 4 heterozygotes.

PreventionGenetics, part of Exact Sciences
Classification: Benign. Review status: criteria provided, single submitter. Criteria: ACMG Guidelines, 2015. Collection method: clinical testing. Allele origin: germline.

Natera, Inc.
Classification: Benign for Nemaline myopathy type 2. Last evaluated: 2020-09-16. Review status: no assertion criteria provided. Collection method: clinical testing. Allele origin: germline. Not counted in ClinVar's aggregate classification.